The following is an entry in ClinVar:

NM_006648.4(WNK2):c.1835C>T (p.Ser612Leu)

Gene: WNK2 (WNK lysine deficient protein kinase 2; plus strand). Cytogenetic location: 9q22.31.
Variant type: single nucleotide variant.
Coding change: c.1835C>T on transcript NM_006648.4 (MANE Select); coding-DNA position 1835, C replaced by T.
Protein change: p.Ser612Leu; replaces serine 612 with leucine.
Molecular consequence: missense variant.
Genome position (GRCh38, 1-based): chr9:93,252,883, C>T. VCF-style: chr9-93252883-C-T. GRCh37 (hg19) VCF-style: chr9-96015165-C-T.
Other names: c.1835C>T, p.Ser612Leu (NM_001282394.3); short protein forms S612L.
Identifiers: ClinVar variation 3816640 (VCV003816640.1).

ClinVar aggregate classification (germline): Uncertain significance (1 of 4 stars; one submission).

gnomAD v4.1: 94 of 1,467,790 alleles (0.0064%); highest among the groups gnomAD compares: Non-Finnish European, 0.0079%; no homozygotes.

Submission:

Ambry Genetics
Classification: Uncertain significance. Last evaluated: 2024-12-27. Review status: criteria provided, single submitter. Criteria: Ambry Variant Classification Scheme 2023. Collection method: clinical testing. Allele origin: germline.
Comment: The p.S612L variant (also known as c.1835C>T) is located in coding exon 8 of the WNK2 gene. The serine at codon 612 is replaced by leucine, an amino acid with dissimilar properties. This change occurs in the first base pair of coding exon 8. This amino acid position is conserved. In addition, the in silico prediction for this alteration is inconclusive. Based on the available evidence, the clinical significance of this variant remains unclear.